The following is an entry in ClinVar:

ClinVar aggregate classification (germline): Pathogenic (1 of 4 stars; one submission).

Submission:

Labcorp Genetics (formerly Invitae), Labcorp
Classification: Pathogenic. Last evaluated: 2022-03-05. Review status: criteria provided, single submitter. Criteria: Invitae Variant Classification Sherloc (09022015). Collection method: clinical testing. Allele origin: germline.
Comment: This sequence change creates a premature translational stop signal (p.Arg246*) in the LPIN1 gene. It is expected to result in an absent or disrupted protein product. Loss-of-function variants in LPIN1 are known to be pathogenic (PMID: 18817903, 20583302, 22481384, 26111941). This variant is not present in population databases (gnomAD no frequency). This variant has not been reported in the literature in individuals affected with LPIN1-related conditions. For these reasons, this variant has been classified as Pathogenic.

Literature cited by the submitters: PubMed 18817903; PubMed 20583302; PubMed 22481384; PubMed 26111941.

NM_001349206.2(LPIN1):c.844C>T (p.Arg282Ter)

Genes: LPIN1 (lipin 1; plus strand), LOC126806147 (CDK7 strongly-dependent group 2 enhancer GRCh37_chr2:11919054-11920253; plus strand). Cytogenetic location: 2p25.1.
Variant type: single nucleotide variant.
Coding change: c.844C>T on transcript NM_001349206.2 (MANE Select); coding-DNA position 844, C replaced by T.
Protein change: p.Arg282Ter; replaces arginine 282 with a stop codon.
Molecular consequence: nonsense. On other transcripts: non-coding transcript variant (1).
Genome position (GRCh38, 1-based): chr2:11,779,532, C>T. VCF-style: chr2-11779532-C-T. GRCh37 (hg19) VCF-style: chr2-11919658-C-T.
Other names: c.754C>T, p.Arg252Ter (NM_001261427.3); c.991C>T, p.Arg331Ter (NM_001261428.3); c.736C>T, p.Arg246Ter (NM_001349199.2, NM_001349200.2, NM_001349201.2 and 1 more transcripts); c.841C>T, p.Arg281Ter (NM_001349202.2, NM_001349203.2); c.844C>T, p.Arg282Ter (NM_001349204.2, NM_001349205.2); c.934C>T, p.Arg312Ter (NM_001349207.2); c.883C>T, p.Arg295Ter (NM_001349208.2); short protein forms R246*, R282*, R312*, R295*, R281*, R252*, R331*.
Identifiers: ClinVar variation 2066424 (VCV002066424.4), dbSNP rs941739314, ClinGen allele CA42601790.